The following is an entry in ClinVar:

ClinVar aggregate classification (germline): Pathogenic (1 of 4 stars; one submission).

Conditions:
Hereditary nonpolyposis colorectal neoplasms. Identifiers: MedGen C0009405, MeSH D003123.

Submission:

Labcorp Genetics (formerly Invitae), Labcorp
Classification: Pathogenic for Hereditary nonpolyposis colorectal neoplasms. Last evaluated: 2019-04-15. Review status: criteria provided, single submitter. Criteria: Invitae Variant Classification Sherloc (09022015). Collection method: clinical testing. Allele origin: germline.
Comment: This sequence change creates a premature translational stop signal (p.Glu544Glyfs*19) in the MSH6 gene. It is expected to result in an absent or disrupted protein product. This variant is not present in population databases (ExAC no frequency). This variant has not been reported in the literature in individuals with MSH6-related conditions. Loss-of-function variants in MSH6 are known to be pathogenic (PMID: 18269114, 24362816). For these reasons, this variant has been classified as Pathogenic.

Literature cited by the submitters: PubMed 18269114; PubMed 24362816.

NM_000179.3(MSH6):c.1630dup (p.Glu544fs)

Gene: MSH6 (mutS homolog 6; plus strand). Cytogenetic location: 2p16.3.
Variant type: Duplication.
Coding change: c.1630dup on transcript NM_000179.3 (MANE Select); coding-DNA position 1630, one base duplicated (G; older notation c.1630dupG).
Protein change: p.Glu544fs; shifts the reading frame from glutamic acid 544.
Molecular consequence: frameshift variant.
Genome position (GRCh38, 1-based): chr2:47,799,613, G duplicated. VCF-style (leftmost placement, unchanged base first): chr2-47799612-A-AG. GRCh37 (hg19) VCF-style: chr2-48026751-A-AG.
Other names: c.1240dup, p.Glu414fs (NM_001281492.2); c.724dup, p.Glu242fs (NM_001281493.2, NM_001281494.2); short protein forms E242fs, E544fs, E414fs.
Identifiers: ClinVar variation 852420 (VCV000852420.8), dbSNP rs1669354866, ClinGen allele CA916079928.